The following is an entry in ClinVar:

ClinVar aggregate classification (germline): Pathogenic (1 of 4 stars; one submission).

Conditions:
Cystic fibrosis (CF). Also called: MUCOVISCIDOSIS. Identifiers: Orphanet 586, MedGen C0010674, MONDO:0009061, OMIM 219700. Disease mechanism: loss of function.

Submission:

3billion
Classification: Pathogenic for Cystic fibrosis. Last evaluated: 2026-01-08. Review status: criteria provided, single submitter. Criteria: ACMG Guidelines, 2015. Collection method: clinical testing. Allele origin: germline. Affected: yes.
Comment: The variant is observed at an extremely low frequency in the gnomAD v4.1.0 dataset (total allele frequency: <0.001%). Predicted Consequence/Location: Frameshift: predicted to result in a loss or disruption of normal protein function through nonsense-mediated decay (NMD) or protein truncation. Multiple pathogenic variants are reported downstream of the variant. The variant has been reported to be associated with CFTR-related disorder (PMID: 31036917). Therefore, this variant is classified as Pathogenic according to the recommendation of ACMG/AMP guideline.

Literature cited by the submitters: PubMed 31036917.

NM_000492.4(CFTR):c.3123dup (p.Gln1042fs)

Genes: CFTR (CF transmembrane conductance regulator; plus strand), CFTR-AS2 (CFTR antisense RNA 2; minus strand), LOC111674472 (DNase I hypersensitive sites in introns 16 and 17a of CFTR; plus strand). Cytogenetic location: 7q31.2.
Variant type: Duplication.
Coding change: c.3123dup on transcript NM_000492.4 (MANE Select); coding-DNA position 3123, one base duplicated (A; older notation c.3123dupA).
Protein change: p.Gln1042fs; shifts the reading frame from glutamine 1042.
Molecular consequence: frameshift variant.
Genome position (GRCh38, 1-based): chr7:117,610,653, A duplicated; the last of 3 consecutive A bases (chr7:117,610,651-117,610,653); duplicating any one gives the same sequence. VCF-style (leftmost placement, unchanged base first): chr7-117610650-C-CA. GRCh37 (hg19) VCF-style: chr7-117250704-C-CA.
Other names: short protein forms Q1042fs.
Identifiers: ClinVar variation 4854650 (VCV004854650.1).